The following is an entry in ClinVar:

NM_006796.3(AFG3L2):c.*16C>T

Genes: TUBB6 (tubulin beta 6 class V; plus strand), AFG3L2 (AFG3 like matrix AAA peptidase subunit 2; minus strand). Cytogenetic location: 18p11.21.
Variant type: single nucleotide variant.
Coding change: c.*16C>T on transcript NM_006796.3 (MANE Select); 16 bases downstream of the stop codon, C replaced by T.
Molecular consequence: 3 prime UTR variant.
Genome position (GRCh38, 1-based): chr18:12,329,549, G>A on the plus strand (C>T on the coding strand, the complement: AFG3L2 is on the minus strand). VCF-style: chr18-12329549-G-A. GRCh37 (hg19) VCF-style: chr18-12329548-G-A.
Other names: c.*366G>A (NM_001303525.2).
Identifiers: ClinVar variation 384240 (VCV000384240.3), dbSNP rs373716760, ClinGen allele CA8896209.
Genomic context (GRCh38, chr18:12,329,549, plus strand): 5'-TTCTGAAAGCCACAGCTGAAATAATGCACCAGCTGAAACCACAGTGGACAGACTGAGATG[G>A]CCTCCCTCTGGGCCTCTAGTTGGCAACTTTCTCACCCGGGGGCTCCTCTTTCTCCTTTTC-3'

ClinVar aggregate classification (germline): Likely benign (1 of 4 stars; one submission).

Allele frequency attached by ClinVar (database versions not stated): gnomAD exomes 0.00001 and 0.00002; ESP Exome Variant Server 0.00015; gnomAD 0.00004 and 0.00006; ExAC 0.00002; TOPMed 0.00004.
gnomAD v4.1: 16 of 1,609,554 alleles (0.00099%); highest among the groups gnomAD compares: African/African-American, 0.02%; 1 homozygote.

Submission:

GeneDx
Classification: Likely benign. Last evaluated: 2016-03-24. Review status: criteria provided, single submitter. Criteria: GeneDx Variant Classification (06012015). Collection method: clinical testing. Allele origin: germline. Affected: yes.
Comment: This variant is considered likely benign or benign based on one or more of the following criteria: it is a conservative change, it occurs at a poorly conserved position in the protein, it is predicted to be benign by multiple in silico algorithms, and/or has population frequency not consistent with disease.